The following is an entry in ClinVar:

NM_020754.4(ARHGAP31):c.1268C>T (p.Ala423Val)

Gene: ARHGAP31 (Rho GTPase activating protein 31; plus strand). Cytogenetic location: 3q13.33.
Variant type: single nucleotide variant.
Coding change: c.1268C>T on transcript NM_020754.4 (MANE Select); coding-DNA position 1268, C replaced by T.
Protein change: p.Ala423Val; replaces alanine 423 with valine.
Molecular consequence: missense variant.
Genome position (GRCh38, 1-based): chr3:119,402,020, C>T. VCF-style: chr3-119402020-C-T. GRCh37 (hg19) VCF-style: chr3-119120867-C-T.
Other names: short protein forms A423V.
Identifiers: ClinVar variation 4750608 (VCV004750608.1).

ClinVar aggregate classification (germline): Uncertain significance (1 of 4 stars; one submission).

gnomAD v4.1: 5 of 1,614,102 alleles (0.00031%); highest among the groups gnomAD compares: South Asian, 0.0055%; no homozygotes.

Submission:

Labcorp Genetics (formerly Invitae), Labcorp
Classification: Uncertain significance. Last evaluated: 2025-10-09. Review status: criteria provided, single submitter. Criteria: Invitae Variant Classification Sherloc (09022015). Collection method: clinical testing. Allele origin: germline.
Comment: This sequence change replaces alanine, which is neutral and non-polar, with valine, which is neutral and non-polar, at codon 423 of the ARHGAP31 protein (p.Ala423Val). This variant is present in population databases (rs572391345, gnomAD 0.006%). This variant has not been reported in the literature in individuals affected with ARHGAP31-related conditions. An algorithm developed to predict the effect of missense changes on protein structure and function (PolyPhen-2) suggests that this variant is likely to be tolerated. In summary, the available evidence is currently insufficient to determine the role of this variant in disease. Therefore, it has been classified as a Variant of Uncertain Significance.